The following is an entry in ClinVar:

NM_000038.6(APC):c.1064T>G (p.Leu355Arg)

Gene: APC (APC regulator of Wnt signaling pathway; plus strand). Cytogenetic location: 5q22.2.
Variant type: single nucleotide variant.
Coding change: c.1064T>G on transcript NM_000038.6 (MANE Select); coding-DNA position 1064, T replaced by G.
Protein change: p.Leu355Arg; replaces leucine 355 with arginine.
Molecular consequence: missense variant. On other transcripts: non-coding transcript variant (2), intron variant (15).
Genome position (GRCh38, 1-based): chr5:112,819,096, T>G. VCF-style: chr5-112819096-T-G. GRCh37 (hg19) VCF-style: chr5-112154793-T-G.
Other names: c.1064T>G, p.Leu355Arg (NM_001127510.3, NM_001354895.2, NM_001354896.2 and 4 more transcripts); c.1010T>G, p.Leu337Arg (NM_001127511.3); c.1094T>G, p.Leu365Arg (NM_001354897.2, NM_001407446.1); c.989T>G, p.Leu330Arg (NM_001354898.2, NM_001407451.1); c.980T>G, p.Leu327Arg (NM_001354899.2, NM_001407452.1); c.887T>G, p.Leu296Arg (NM_001354900.2, NM_001354901.2, NM_001407453.1); c.215T>G, p.Leu72Arg (NM_001354906.2, NM_001407470.1); c.85-173T>G (NM_001407472.1, NM_001407471.1); and 5 more; short protein forms L327R, L330R, L72R, L296R, L337R, L355R, L365R.
Identifiers: ClinVar variation 3013748 (VCV003013748.3), dbSNP rs2533042942, ClinGen allele CA16023642.
Genomic context (GRCh38, chr5:112,819,096, plus strand): 5'-TAGCTATGTCTAGCTCCCAAGACAGCTGTATATCCATGCGACAGTCTGGATGTCTTCCTC[T>G]CCTCATCCAGCTTTTACATGGCAATGACAAAGACTCTGTATTGTTGGGAAATTCCCGGGG-3'
Protein context (NP_000029.2, residues 345-365): ISMRQSGCLP[Leu355Arg]LIQLLHGNDK

ClinVar aggregate classification (germline): Uncertain significance (1 of 4 stars; one submission).

Conditions:
Familial adenomatous polyposis 1 (FAP1). Also called: FAMILIAL ADENOMATOUS POLYPOSIS 1, ATTENUATED; POLYPOSIS, ADENOMATOUS INTESTINAL. Identifiers: MedGen C2713442, MONDO:0021056, OMIM 175100. Disease mechanism: loss of function.

Submission:

Labcorp Genetics (formerly Invitae), Labcorp
Classification: Uncertain significance for Familial adenomatous polyposis 1. Last evaluated: 2023-09-09. Review status: criteria provided, single submitter. Criteria: Invitae Variant Classification Sherloc (09022015). Collection method: clinical testing. Allele origin: germline.
Comment: This sequence change replaces leucine, which is neutral and non-polar, with arginine, which is basic and polar, at codon 355 of the APC protein (p.Leu355Arg). This variant is not present in population databases (gnomAD no frequency). This variant has not been reported in the literature in individuals affected with APC-related conditions. Advanced modeling of protein sequence and biophysical properties (such as structural, functional, and spatial information, amino acid conservation, physicochemical variation, residue mobility, and thermodynamic stability) performed at Invitae indicates that this missense variant is not expected to disrupt APC protein function. Algorithms developed to predict the effect of sequence changes on RNA splicing suggest that this variant may disrupt the consensus splice site. In summary, the available evidence is currently insufficient to determine the role of this variant in disease. Therefore, it has been classified as a Variant of Uncertain Significance.